The following is an entry in ClinVar:

ClinVar aggregate classification (germline): Uncertain significance (1 of 4 stars; one submission).

Submission:

Labcorp Genetics (formerly Invitae), Labcorp
Classification: Uncertain significance. Last evaluated: 2023-02-27. Review status: criteria provided, single submitter. Criteria: Invitae Variant Classification Sherloc (09022015). Collection method: clinical testing. Allele origin: germline.
Comment: This sequence change replaces cysteine, which is neutral and slightly polar, with phenylalanine, which is neutral and non-polar, at codon 1557 of the MYO7A protein (p.Cys1557Phe). This variant is not present in population databases (gnomAD no frequency). This variant has not been reported in the literature in individuals affected with MYO7A-related conditions. Advanced modeling of protein sequence and biophysical properties (such as structural, functional, and spatial information, amino acid conservation, physicochemical variation, residue mobility, and thermodynamic stability) performed at Invitae indicates that this missense variant is not expected to disrupt MYO7A protein function. Algorithms developed to predict the effect of sequence changes on RNA splicing suggest that this variant may disrupt the consensus splice site. In summary, the available evidence is currently insufficient to determine the role of this variant in disease. Therefore, it has been classified as a Variant of Uncertain Significance.

NM_000260.4(MYO7A):c.4670G>T (p.Cys1557Phe)

Gene: MYO7A (myosin VIIA; plus strand). Cytogenetic location: 11q13.5.
Variant type: single nucleotide variant.
Coding change: c.4670G>T on transcript NM_000260.4 (MANE Select); coding-DNA position 4670, G replaced by T.
Protein change: p.Cys1557Phe; replaces cysteine 1557 with phenylalanine.
Molecular consequence: missense variant. On other transcripts: intron variant (2).
Genome position (GRCh38, 1-based): chr11:77,199,636, G>T. VCF-style: chr11-77199636-G-T. GRCh37 (hg19) VCF-style: chr11-76910681-G-T.
Other names: c.4536-13G>T (NM_001369365.1); c.4569-13G>T (NM_001127180.2); short protein forms C1557F.
Identifiers: ClinVar variation 2841432 (VCV002841432.3), dbSNP rs2497590284, ClinGen allele CA381950688.